The following is an entry in ClinVar:

NM_000268.4(NF2):c.675+5G>A

Gene: NF2 (NF2, moesin-ezrin-radixin like (MERLIN) tumor suppressor; plus strand). Cytogenetic location: 22q12.2.
Variant type: single nucleotide variant.
Coding change: c.675+5G>A on transcript NM_000268.4 (MANE Select); 5 bases into the intron after coding-DNA position 675, G replaced by A.
Molecular consequence: intron variant.
Genome position (GRCh38, 1-based): chr22:29,658,269, G>A. VCF-style: chr22-29658269-G-A. GRCh37 (hg19) VCF-style: chr22-30054258-G-A.
Other names: c.675+5G>A (NM_016418.5, NM_181832.3, NM_181825.3); c.447+15984G>A (NM_181833.3); c.552+5G>A (NM_181829.3); c.549+5G>A (NM_181828.3); c.426+5G>A (NM_181830.3, NM_181831.3).
Identifiers: ClinVar variation 2138430 (VCV002138430.5), dbSNP rs2066373952, ClinGen allele CA645601052.

ClinVar aggregate classification (germline): Conflicting classifications of pathogenicity. Review status: criteria provided, conflicting classifications (1 of 4 stars). 2 submissions from 2 submitters: Likely pathogenic (1); Uncertain significance (1). Last evaluated 2026-01-26.

Conditions:
Neurofibromatosis, type 2 (SWNV). Also called: SCHWANNOMATOSIS, VESTIBULAR; BILATERAL ACOUSTIC NEUROFIBROMATOSIS; NF2-Related Schwannomatosis. Identifiers: Orphanet 637, MedGen C0027832, MONDO:0007039, OMIM 101000. Disease mechanism: loss of function.

Submissions (2):

University of Washington Department of Laboratory Medicine, University of Washington
Classification: Likely pathogenic for Neurofibromatosis, type 2. Last evaluated: 2026-01-26. Review status: criteria provided, single submitter. Criteria: Shirts BH et al. (Am J Hum Genet 2018). Collection method: clinical testing. Allele origin: de novo. Affected: yes.
Comment: We classify the NF2 c.675+5G>A variant as likely pathogenic based on internal evidence. Tumor testing demonstrated double somatic NF2 mutations, consistent with biallelic inactivation and supporting a “two-hit” model of tumorigenesis for NF2-associated tumor predisposition (PS3_supporting). The use of somatic tumor data to inform germline variant classification has been described in the literature (Shirts et al., 2018. Genet Med. PMID: 29887214). The c.675+5G>A variant occurs in intron 7, affecting a highly conserved nucleotide within the canonical splice donor site. In silico splicing prediction algorithms suggest that this change disrupts normal RNA splicing, likely leading to loss of function (PP3). Other variants affecting the same nucleotide, c.675+5G>T (VCV001030707.1), have been reported as pathogenic (PMID: 9605590, 21563229), supporting the clinical significance of this position (PM5). This variant is absent from population databases, including gnomAD (v4.0.0), consistent with a rare disease-causing variant (PM2_supporting). The phenotype of the individual is highly specific for NF2-related tumor spectrum (PP4). Taken together, the germline detection, somatic evidence of biallelic inactivation, predicted disruption of a canonical splice site, recurrence of pathogenic variants at the same nucleotide, absence from population databases, and phenotype specificity collectively support a likely pathogenic classification for this variant.

Labcorp Genetics (formerly Invitae), Labcorp
Classification: Uncertain significance for Neurofibromatosis, type 2. Last evaluated: 2022-09-17. Review status: criteria provided, single submitter. Criteria: Invitae Variant Classification Sherloc (09022015). Collection method: clinical testing. Allele origin: germline.
Comment: This sequence change falls in intron 7 of the NF2 gene. It does not directly change the encoded amino acid sequence of the NF2 protein. It affects a nucleotide within the consensus splice site. This variant is not present in population databases (gnomAD no frequency). This variant has been observed in individual(s) with neurofibromatosis type 2 (PMID: 15684865). Variants that disrupt the consensus splice site are a relatively common cause of aberrant splicing (PMID: 17576681, 9536098). Algorithms developed to predict the effect of sequence changes on RNA splicing suggest that this variant may disrupt the consensus splice site. This variant disrupts the c.675+5G nucleotide in the NF2 gene. Other variant(s) that disrupt this nucleotide have been determined to be pathogenic (PMID: 9605590, 21563229). This suggests that this nucleotide is clinically significant, and that variants that disrupt this position are likely to be disease-causing. In summary, the available evidence is currently insufficient to determine the role of this variant in disease. Therefore, it has been classified as a Variant of Uncertain Significance.

Literature cited by the submitters: PubMed 9605590 (cited by University of Washington Department of Laboratory Medicine, University of Washington and Labcorp Genetics (formerly Invitae), Labcorp); PubMed 21563229 (cited by University of Washington Department of Laboratory Medicine, University of Washington and Labcorp Genetics (formerly Invitae), Labcorp); PubMed 15684865 (cited by Labcorp Genetics (formerly Invitae), Labcorp); PubMed 17576681 (cited by Labcorp Genetics (formerly Invitae), Labcorp); PubMed 9536098 (cited by Labcorp Genetics (formerly Invitae), Labcorp).